The following is an entry in ClinVar:

ClinVar aggregate classification (germline): Uncertain significance (1 of 4 stars; one submission).

Conditions:
Meckel-Gruber syndrome. Also called: DYSENCEPHALIA SPLANCHNOCYSTICA; GRUBER SYNDROME; Dysencephalia splachnocystica. Identifiers: Orphanet 564, MedGen C0265215, MONDO:0018921.
Joubert syndrome. Also called: CEREBELLOPARENCHYMAL DISORDER IV; JOUBERT-BOLTSHAUSER SYNDROME; Familial aplasia of the vermis. Identifiers: Orphanet 475, MedGen C5979921, MONDO:0018772.

Allele frequency attached by ClinVar (database versions not stated): gnomAD exomes below 0.00001.
gnomAD v4.1: 2 of 1,614,146 alleles (0.00012%); highest among the groups gnomAD compares: Non-Finnish European, 0.00017%; no homozygotes.

Submission:

Labcorp Genetics (formerly Invitae), Labcorp
Classification: Uncertain significance for Joubert syndrome; Meckel-Gruber syndrome. Last evaluated: 2022-08-13. Review status: criteria provided, single submitter. Criteria: Invitae Variant Classification Sherloc (09022015). Collection method: clinical testing. Allele origin: germline.
Comment: This sequence change replaces alanine, which is neutral and non-polar, with threonine, which is neutral and polar, at codon 308 of the TCTN2 protein (p.Ala308Thr). This variant is not present in population databases (gnomAD no frequency). This variant has not been reported in the literature in individuals affected with TCTN2-related conditions. Algorithms developed to predict the effect of missense changes on protein structure and function (SIFT, PolyPhen-2, Align-GVGD) all suggest that this variant is likely to be disruptive. In summary, the available evidence is currently insufficient to determine the role of this variant in disease. Therefore, it has been classified as a Variant of Uncertain Significance.

NM_024809.5(TCTN2):c.922G>A (p.Ala308Thr)

Gene: TCTN2 (tectonic family member 2; plus strand). Cytogenetic location: 12q24.31.
Variant type: single nucleotide variant.
Coding change: c.922G>A on transcript NM_024809.5 (MANE Select); coding-DNA position 922, G replaced by A.
Protein change: p.Ala308Thr; replaces alanine 308 with threonine.
Molecular consequence: missense variant.
Genome position (GRCh38, 1-based): chr12:123,690,563, G>A. VCF-style: chr12-123690563-G-A. GRCh37 (hg19) VCF-style: chr12-124175110-G-A.
Other names: c.919G>A, p.Ala307Thr (NM_001143850.3); c.922G>A, p.Ala308Thr (NM_001410989.1); short protein forms A308T, A307T.
Identifiers: ClinVar variation 1903883 (VCV001903883.2), dbSNP rs1232233931, ClinGen allele CA387139963.
Genomic context (GRCh38, chr12:123,690,563, plus strand): 5'-AAATCTGTTGGCTTTGCCCTTCTCCCTCAGGTGTCCCTGGCTGGGCAGTGTATGCAGAAC[G>A]CCCCAGTGGCATTTCTTCACAATTTTGATGTTAAATGCGTTACTAATTTGGAACTATACC-3'
Protein context (NP_079085.2, residues 298-318): VSLAGQCMQN[Ala308Thr]PVAFLHNFDV